The following is an entry in ClinVar:

NM_001190274.2(FBXO11):c.2395A>C (p.Asn799His)

Genes: FBXO11 (F-box protein 11; minus strand), MSH6 (mutS homolog 6; plus strand). Cytogenetic location: 2p16.3.
Variant type: single nucleotide variant.
Coding change: c.2395A>C on transcript NM_001190274.2 (MANE Select); coding-DNA position 2395, A replaced by C.
Protein change: p.Asn799His; replaces asparagine 799 with histidine.
Molecular consequence: missense variant. On other transcripts: intron variant (6).
Genome position (GRCh38, 1-based): chr2:47,809,651, T>G on the plus strand (A>C on the coding strand, the complement: FBXO11 is on the minus strand). VCF-style: chr2-47809651-T-G. GRCh37 (hg19) VCF-style: chr2-48036790-T-G.
Other names: c.*41-348T>G (NM_001406805.1, NM_001406821.1, NM_001406828.1 and 2 more transcripts); c.2143A>C, p.Asn715His (NM_001374325.1, NM_025133.4); c.*44-348T>G (NM_001406809.1); short protein forms N715H, N799H.
Identifiers: ClinVar variation 3365178 (VCV003365178.1).
Genomic context (GRCh38, chr2:47,809,651, plus strand): 5'-CCAACATACCTTTCATTGTCACATTAACACCAGATGCTAAAAATAAGCCTCCAAACCGGT[T>G]GTTAAAAATCTGATTGCCTTCTAGTGTTGCAGTTGCGTGATTTGTAATTTCAATACCTGA-3'
Protein context (NP_001177203.1, residues 789-809): ATLEGNQIFN[Asn799His]RFGGLFLASG

ClinVar aggregate classification (germline): Uncertain significance (1 of 4 stars; one submission).

gnomAD v4.1: 1 of 1,613,662 alleles (0.000062%); highest among the groups gnomAD compares: Non-Finnish European, 0.000085%; no homozygotes.

Submission:

GeneDx
Classification: Uncertain significance. Last evaluated: 2023-11-30. Review status: criteria provided, single submitter. Criteria: GeneDx Variant Classification Process June 2021. Collection method: clinical testing. Allele origin: germline. Affected: yes.
Comment: Not observed at significant frequency in large population cohorts (gnomAD); In silico analysis supports that this missense variant has a deleterious effect on protein structure/function; Has not been previously published as pathogenic or benign to our knowledge